The following is an entry in ClinVar:

NM_001286577.2(C2CD3):c.163C>T (p.Pro55Ser)

Gene: C2CD3 (C2 domain containing 3 centriole elongation regulator; minus strand). Cytogenetic location: 11q13.4.
Variant type: single nucleotide variant.
Coding change: c.163C>T on transcript NM_001286577.2 (MANE Select); coding-DNA position 163, C replaced by T.
Protein change: p.Pro55Ser; replaces proline 55 with serine.
Molecular consequence: missense variant.
Genome position (GRCh38, 1-based): chr11:74,168,506, G>A on the plus strand (C>T on the coding strand, the complement: C2CD3 is on the minus strand). VCF-style: chr11-74168506-G-A. GRCh37 (hg19) VCF-style: chr11-73879551-G-A.
Other names: c.163C>T, p.Pro55Ser (NM_015531.6); short protein forms P55S.
Identifiers: ClinVar variation 1904469 (VCV001904469.2), dbSNP rs761301135, ClinGen allele CA6183300.
Genomic context (GRCh38, chr11:74,168,506, plus strand): 5'-AGAGGGTTCCATCTGATGTTTCTCCCCACCATCTCACTCGGACAAGTACACAAGTGGGAG[G>A]CTTTGCAATCTTCCATATGACTCTATTAACAGTAAGTTTTAGAAAACAGCGTAGCTGGCC-3'
Protein context (NP_001273506.1, residues 45-65): VNRVIWKIAK[Pro55Ser]PTCVLVRVRW

ClinVar aggregate classification (germline): Uncertain significance (1 of 4 stars; one submission).

Allele frequency attached by ClinVar (database versions not stated): gnomAD 0.00001; TOPMed 0.00003.

Submission:

Labcorp Genetics (formerly Invitae), Labcorp
Classification: Uncertain significance. Last evaluated: 2022-08-09. Review status: criteria provided, single submitter. Criteria: Invitae Variant Classification Sherloc (09022015). Collection method: clinical testing. Allele origin: germline.
Comment: This sequence change replaces proline, which is neutral and non-polar, with serine, which is neutral and polar, at codon 55 of the C2CD3 protein (p.Pro55Ser). This variant is present in population databases (rs761301135, gnomAD 0.0009%). This variant has not been reported in the literature in individuals affected with C2CD3-related conditions. Algorithms developed to predict the effect of missense changes on protein structure and function are either unavailable or do not agree on the potential impact of this missense change (SIFT: "Deleterious"; PolyPhen-2: "Probably Damaging"; Align-GVGD: "Class C0"). In summary, the available evidence is currently insufficient to determine the role of this variant in disease. Therefore, it has been classified as a Variant of Uncertain Significance.